The following is an entry in ClinVar:

ClinVar aggregate classification (germline): Likely benign. Review status: criteria provided, single submitter (1 of 4 stars). 2 submissions from 2 submitters: Likely benign (1). 1 of the submissions does not count toward it. Last evaluated 2019-12-31.

Conditions:
LRFN5-related disorder. Also called: LRFN5-related condition.

Allele frequency attached by ClinVar (database versions not stated): 1000 Genomes Project 30x 0.00031; 1000 Genomes Project 0.00040; TOPMed 0.00124; gnomAD exomes 0.00128 and 0.00200; gnomAD 0.00134 and 0.00138; ExAC 0.00144; ESP Exome Variant Server 0.00177.
gnomAD v4.1: 3,104 of 1,614,212 alleles (0.19%); highest among the groups gnomAD compares: Non-Finnish European, 0.24%; 5 homozygotes.

Submissions (2):

Labcorp Genetics (formerly Invitae), Labcorp
Classification: Likely benign. Last evaluated: 2019-12-31. Review status: criteria provided, single submitter. Criteria: Invitae Variant Classification Sherloc (09022015). Collection method: clinical testing. Allele origin: germline.

PreventionGenetics, part of Exact Sciences
Classification: Likely benign for LRFN5-related condition. Last evaluated: 2019-07-15. Review status: no assertion criteria provided. Collection method: clinical testing. Allele origin: germline. Not counted in ClinVar's aggregate classification.
Comment: This variant is classified as likely benign based on ACMG/AMP sequence variant interpretation guidelines (Richards et al. 2015 PMID: 25741868, with internal and published modifications).

NM_152447.5(LRFN5):c.258A>G (p.Thr86=)

Gene: LRFN5 (leucine rich repeat and fibronectin type III domain containing 5; plus strand). Cytogenetic location: 14q21.1.
Variant type: single nucleotide variant.
Coding change: c.258A>G on transcript NM_152447.5 (MANE Select); coding-DNA position 258, A replaced by G.
Protein change: p.Thr86=; no amino-acid change (threonine 86 retained).
Molecular consequence: synonymous variant. On other transcripts: non-coding transcript variant (2).
Genome position (GRCh38, 1-based): chr14:41,886,883, A>G. VCF-style: chr14-41886883-A-G. GRCh37 (hg19) VCF-style: chr14-42356086-A-G.
Other names: c.258A>G, p.Thr86= (NM_001330106.2, NM_001346173.2, NM_001346175.2); c.258A>G (NM_001346173.1).
Identifiers: ClinVar variation 717012 (VCV000717012.6), dbSNP rs151006633, ClinGen allele CA7165394.